The following is an entry in ClinVar:

NM_015089.4(CUL9):c.889C>A (p.Gln297Lys)

Gene: CUL9 (cullin 9; plus strand). Cytogenetic location: 6p21.1.
Variant type: single nucleotide variant.
Coding change: c.889C>A on transcript NM_015089.4 (MANE Select); coding-DNA position 889, C replaced by A.
Protein change: p.Gln297Lys; replaces glutamine 297 with lysine.
Molecular consequence: missense variant.
Genome position (GRCh38, 1-based): chr6:43,186,093, C>A. VCF-style: chr6-43186093-C-A. GRCh37 (hg19) VCF-style: chr6-43153831-C-A.
Other names: short protein forms Q297K.
Identifiers: ClinVar variation 3039599 (VCV003039599.2), dbSNP rs147818029, ClinGen allele CA3817172.
Genomic context (GRCh38, chr6:43,186,093, plus strand): 5'-CCAGAGCTGGGAGCTGGAGACCAAAGCTCCCCATGTGCCACAAGAGAGAAAAGCCGGGGA[C>A]AGCGGGAACTGGAGTTCAGCATGGCTGTGGGCAACCTCATCTCTGAGCTTGTGCGGAGCA-3'
Protein context (NP_055904.1, residues 287-307): PCATREKSRG[Gln297Lys]RELEFSMAVG

ClinVar aggregate classification (germline): Benign (0 of 4 stars; one submission).

Conditions:
CUL9-related disorder. Also called: CUL9-related condition.

Allele frequency attached by ClinVar (database versions not stated): gnomAD exomes 0.00047; ExAC 0.00153; 1000 Genomes Project 30x 0.00312; 1000 Genomes Project 0.00379; ESP Exome Variant Server 0.00438; gnomAD 0.00469; TOPMed 0.00510.
gnomAD v4.1: 1,451 of 1,614,224 alleles (0.09%); highest among the groups gnomAD compares: African/African-American, 1.7%; 14 homozygotes.

Submission:

PreventionGenetics, part of Exact Sciences
Classification: Benign for CUL9-related condition. Last evaluated: 2019-05-21. Review status: no assertion criteria provided. Collection method: clinical testing. Allele origin: germline.
Comment: This variant is classified as benign based on ACMG/AMP sequence variant interpretation guidelines (Richards et al. 2015 PMID: 25741868, with internal and published modifications).